The following is an entry in ClinVar:

NM_032043.3(BRIP1):c.1883G>A (p.Gly628Asp)

Gene: BRIP1 (BRCA1 interacting DNA helicase 1; minus strand). Cytogenetic location: 17q23.2.
Variant type: single nucleotide variant.
Coding change: c.1883G>A on transcript NM_032043.3 (MANE Select); coding-DNA position 1883, G replaced by A.
Protein change: p.Gly628Asp; replaces glycine 628 with aspartic acid.
Molecular consequence: missense variant.
Genome position (GRCh38, 1-based): chr17:61,780,313, C>T on the plus strand (G>A on the coding strand, the complement: BRIP1 is on the minus strand). VCF-style: chr17-61780313-C-T. GRCh37 (hg19) VCF-style: chr17-59857674-C-T.
Other names: short protein forms G628D.
Identifiers: ClinVar variation 491417 (VCV000491417.15), dbSNP rs1064794907, ClinGen allele CA400479351.

ClinVar aggregate classification (germline): Uncertain significance. Review status: criteria provided, multiple submitters, no conflicts (2 of 4 stars). 3 submissions from 3 submitters: Uncertain significance (3). Last evaluated 2025-12-18.

Conditions:
Hereditary cancer-predisposing syndrome. Also called: Tumor predisposition; Neoplastic Syndromes, Hereditary; Hereditary Cancer Syndrome; Hereditary neoplastic syndrome. Identifiers: Orphanet 140162, MedGen C0027672, MeSH D009386, MONDO:0015356.
Fanconi anemia complementation group J. Also called: BRIP1-Related Fanconi Anemia. Identifiers: Orphanet 84, MedGen C1836860, MONDO:0012187, OMIM 609054.
Familial cancer of breast. Also called: BREAST CANCER, FAMILIAL; hereditary breast carcinoma; Hereditary breast cancer. Identifiers: Orphanet 227535, MedGen C0346153, MONDO:0016419, OMIM 114480. Disease mechanism: loss of function.

Submissions (3):

Labcorp Genetics (formerly Invitae), Labcorp
Classification: Uncertain significance for Familial cancer of breast; Fanconi anemia complementation group J. Last evaluated: 2025-12-18. Review status: criteria provided, single submitter. Criteria: Invitae Variant Classification Sherloc (09022015). Collection method: clinical testing. Allele origin: germline.
Comment: This sequence change replaces glycine, which is neutral and non-polar, with aspartic acid, which is acidic and polar, at codon 628 of the BRIP1 protein (p.Gly628Asp). This variant is not present in population databases (gnomAD no frequency). This variant has not been reported in the literature in individuals affected with BRIP1-related conditions. ClinVar contains an entry for this variant (Variation ID: 491417). Invitae Evidence Modeling of protein sequence and biophysical properties (such as structural, functional, and spatial information, amino acid conservation, physicochemical variation, residue mobility, and thermodynamic stability) has been performed for this missense variant. However, the output from this modeling did not meet the statistical confidence thresholds required to predict the impact of this variant on BRIP1 protein function. In summary, the available evidence is currently insufficient to determine the role of this variant in disease. Therefore, it has been classified as a Variant of Uncertain Significance.

Ambry Genetics
Classification: Uncertain significance for Hereditary cancer-predisposing syndrome. Last evaluated: 2020-11-06. Review status: criteria provided, single submitter. Criteria: Ambry Variant Classification Scheme 2023. Collection method: clinical testing. Allele origin: germline.
Comment: The p.G628D variant (also known as c.1883G>A), located in coding exon 12 of the BRIP1 gene, results from a G to A substitution at nucleotide position 1883. The glycine at codon 628 is replaced by aspartic acid, an amino acid with similar properties. This variant was detected in 1/333 Polish patients with ovarian cancer (Koczkowska M et al. Cancers (Basel), 2018 Nov;10:). This amino acid position is highly conserved in available vertebrate species. In addition, the in silico prediction for this alteration is inconclusive. Since supporting evidence is limited at this time, the clinical significance of this alteration remains unclear.

Color Diagnostics, LLC DBA Color Health
Classification: Uncertain significance for Hereditary cancer-predisposing syndrome. Last evaluated: 2019-04-04. Review status: criteria provided, single submitter. Criteria: ACMG Guidelines, 2015. Collection method: clinical testing. Allele origin: germline.

Literature cited by the submitters: PubMed 30441849 (cited by Ambry Genetics).